The following is an entry in ClinVar:

ClinVar aggregate classification (germline): Uncertain significance. Review status: criteria provided, multiple submitters, no conflicts (2 of 4 stars). 2 submissions from 2 submitters: Uncertain significance (2). Last evaluated 2021-11-27.

Conditions:
Immunodeficiency 51 (IMD51). Also called: CANDIDIASIS, FAMILIAL, 5. Identifiers: Orphanet 1334, MedGen C4310803, MONDO:0013500, OMIM 613953.

Allele frequency attached by ClinVar (database versions not stated): TOPMed 0.00001; gnomAD 0.00002 and 0.00003.
gnomAD v4.1: 4 of 1,613,854 alleles (0.00025%); highest among the groups gnomAD compares: Admixed American, 0.0033%; no homozygotes.

Submissions (2):

Labcorp Genetics (formerly Invitae), Labcorp
Classification: Uncertain significance for Immunodeficiency 51. Last evaluated: 2021-11-27. Review status: criteria provided, single submitter. Criteria: Invitae Variant Classification Sherloc (09022015). Collection method: clinical testing. Allele origin: germline.
Comment: This sequence change replaces isoleucine, which is neutral and non-polar, with valine, which is neutral and non-polar, at codon 283 of the IL17RA protein (p.Ile283Val). This variant is present in population databases (no rsID available, gnomAD 0.1%). This variant has not been reported in the literature in individuals affected with IL17RA-related conditions. ClinVar contains an entry for this variant (Variation ID: 340583). Algorithms developed to predict the effect of missense changes on protein structure and function output the following: SIFT: "Tolerated"; PolyPhen-2: "Benign"; Align-GVGD: "Class C0". The valine amino acid residue is found in multiple mammalian species, which suggests that this missense change does not adversely affect protein function. In summary, the available evidence is currently insufficient to determine the role of this variant in disease. Therefore, it has been classified as a Variant of Uncertain Significance.

Illumina Laboratory Services, Illumina
Classification: Uncertain significance for Immunodeficiency 51. Last evaluated: 2018-01-13. Review status: criteria provided, single submitter. Criteria: ICSL Variant Classification Criteria 13 December 2019. Collection method: clinical testing. Allele origin: germline.

NM_014339.7(IL17RA):c.847A>G (p.Ile283Val)

Gene: IL17RA (interleukin 17 receptor A; plus strand). Cytogenetic location: 22q11.1.
Variant type: single nucleotide variant.
Coding change: c.847A>G on transcript NM_014339.7 (MANE Select); coding-DNA position 847, A replaced by G.
Protein change: p.Ile283Val; replaces isoleucine 283 with valine.
Molecular consequence: missense variant.
Genome position (GRCh38, 1-based): chr22:17,104,726, A>G. VCF-style: chr22-17104726-A-G. GRCh37 (hg19) VCF-style: chr22-17585616-A-G.
Other names: c.847A>G, p.Ile283Val (NM_001289905.2); short protein forms I283V.
Identifiers: ClinVar variation 340583 (VCV000340583.7), dbSNP rs886057202, ClinGen allele CA10653763.
Genomic context (GRCh38, chr22:17,104,726, plus strand): 5'-GCTGGAAGGCATGGGCGCTCTACAGTTCTGGAGCCCTTTTCCTGCCCTCTCTGCCCGCAG[A>G]TCCAGCCCTTCTTCAGCAGCTGCCTCAATGACTGCCTCAGACACTCCGCGACTGTTTCCT-3'
Protein context (NP_055154.3, residues 273-293): LKGCCRHQVQ[Ile283Val]QPFFSSCLND